The following is an entry in ClinVar:

NM_001009944.3(PKD1):c.4625T>G (p.Val1542Gly)

Gene: PKD1 (polycystin 1, transient receptor potential channel interacting; minus strand). Cytogenetic location: 16p13.3.
Variant type: single nucleotide variant.
Coding change: c.4625T>G on transcript NM_001009944.3 (MANE Select); coding-DNA position 4625, T replaced by G.
Protein change: p.Val1542Gly; replaces valine 1542 with glycine.
Molecular consequence: missense variant.
Genome position (GRCh38, 1-based): chr16:2,110,542, A>C on the plus strand (T>G on the coding strand, the complement: PKD1 is on the minus strand). VCF-style: chr16-2110542-A-C. GRCh37 (hg19) VCF-style: chr16-2160543-A-C.
Other names: c.4625T>G, p.Val1542Gly (NM_000296.4); short protein forms V1542G.
Identifiers: ClinVar variation 993654 (VCV000993654.8), dbSNP rs2092475450, ClinGen allele CA394379569.

ClinVar aggregate classification (germline): Uncertain significance (1 of 4 stars; one submission).

Conditions:
Polycystic kidney disease, adult type (PKD1). Also called: Polycystic Kidney Disease 1, Autosomal Dominant; Polycystic kidney disease 1; Polycystic kidney disease 1, severe; POLYCYSTIC KIDNEY DISEASE, ADULT, TYPE I; POLYCYSTIC KIDNEY DISEASE 1 WITH OR WITHOUT POLYCYSTIC LIVER DISEASE; Polycystic Kidney, Autosomal Dominant. Identifiers: MedGen C3149841, MONDO:0008263, OMIM 173900.

Submission:

ARUP Laboratories, Molecular Genetics and Genomics, ARUP Laboratories
Classification: Uncertain significance for Polycystic kidney disease, adult type. Last evaluated: 2020-02-20. Review status: criteria provided, single submitter. Criteria: ARUP Molecular Germline Variant Investigation Process. Collection method: clinical testing. Allele origin: germline.
Comment: The PKD1 c.4625T>G; p.Val1542Gly variant, to our knowledge, is not reported in the medical literature or gene specific databases. This variant is also absent from general population databases (Exome Variant Server, Genome Aggregation Database), indicating it is not a common polymorphism. The valine at codon 1542 is weakly conserved, but computational analyses (SIFT, PolyPhen-2) predict that this variant is deleterious. Due to limited information, the clinical significance of the p.Val1542Gly variant is uncertain at this time.